The following is an entry in ClinVar:

ClinVar aggregate classification (germline): Likely benign (1 of 4 stars; one submission).

Allele frequency attached by ClinVar (database versions not stated): 1000 Genomes Project 0.00859; 1000 Genomes Project 30x 0.00874.

Submission:

GeneDx
Classification: Likely benign. Last evaluated: 2022-02-08. Review status: criteria provided, single submitter. Criteria: GeneDx Variant Classification Process June 2021. Collection method: clinical testing. Allele origin: germline. Affected: yes.
Comment: See Variant Classification Assertion Criteria.

NM_153026.3(PRICKLE1):c.-48-11145G>T

Genes: PRICKLE1 (prickle planar cell polarity protein 1; minus strand), LOC130007707 (ATAC-STARR-seq lymphoblastoid silent region 4366; plus strand). Cytogenetic location: 12q12.
Variant type: single nucleotide variant.
Coding change: c.-48-11145G>T on transcript NM_153026.3 (MANE Select); 11145 bases into the intron before 48 bases upstream of the start codon, G replaced by T.
Molecular consequence: intron variant.
Genome position (GRCh38, 1-based): chr12:42,483,709, C>A on the plus strand (G>T on the coding strand, the complement: PRICKLE1 is on the minus strand). VCF-style: chr12-42483709-C-A. GRCh37 (hg19) VCF-style: chr12-42877511-C-A.
Other names: c.-46+49G>T (NM_001144883.2); c.-49+49G>T (NM_001144882.2).
Identifiers: ClinVar variation 1700880 (VCV001700880.2), dbSNP rs115983819, ClinGen allele CA235501435.